The following is an entry in ClinVar:

ClinVar aggregate classification (germline): Uncertain significance (1 of 4 stars; one submission).

Submission:

Labcorp Genetics (formerly Invitae), Labcorp
Classification: Uncertain significance. Last evaluated: 2025-11-17. Review status: criteria provided, single submitter. Criteria: Invitae Variant Classification Sherloc (09022015). Collection method: clinical testing. Allele origin: germline.
Comment: This sequence change replaces proline, which is neutral and non-polar, with serine, which is neutral and polar, at codon 393 of the TOE1 protein (p.Pro393Ser). This variant is not present in population databases (gnomAD no frequency). This variant has not been reported in the literature in individuals affected with TOE1-related conditions. Invitae Evidence Modeling of protein sequence and biophysical properties (such as structural, functional, and spatial information, amino acid conservation, physicochemical variation, residue mobility, and thermodynamic stability) indicates that this missense variant is not expected to disrupt TOE1 protein function with a negative predictive value of 80%. In summary, the available evidence is currently insufficient to determine the role of this variant in disease. Therefore, it has been classified as a Variant of Uncertain Significance.

NM_025077.4(TOE1):c.1177C>T (p.Pro393Ser)

Gene: TOE1 (target of EGR1, exonuclease; plus strand). Cytogenetic location: 1p34.1.
Variant type: single nucleotide variant.
Coding change: c.1177C>T on transcript NM_025077.4 (MANE Select); coding-DNA position 1177, C replaced by T.
Protein change: p.Pro393Ser; replaces proline 393 with serine.
Molecular consequence: missense variant.
Genome position (GRCh38, 1-based): chr1:45,343,346, C>T. VCF-style: chr1-45343346-C-T. GRCh37 (hg19) VCF-style: chr1-45809018-C-T.
Other names: short protein forms P393S.
Identifiers: ClinVar variation 4742282 (VCV004742282.1).